The following is an entry in ClinVar:

ClinVar aggregate classification (germline): Pathogenic (1 of 4 stars; one submission).

Submission:

Labcorp Genetics (formerly Invitae), Labcorp
Classification: Pathogenic. Last evaluated: 2025-11-16. Review status: criteria provided, single submitter. Criteria: Invitae Variant Classification Sherloc (09022015). Collection method: clinical testing. Allele origin: germline.
Comment: This sequence change creates a premature translational stop signal (p.Tyr126*) in the SOX10 gene. It is expected to result in an absent or disrupted protein product. Loss-of-function variants in SOX10 are known to be pathogenic (PMID: 9462749, 15004559, 21965087, 33442024). This variant is not present in population databases (gnomAD no frequency). This premature translational stop signal has been observed in individual(s) with deafness (PMID: 33724713). For these reasons, this variant has been classified as Pathogenic.

Literature cited by the submitters: PubMed 9462749; PubMed 15004559; PubMed 21965087; PubMed 33442024; PubMed 33724713.

NM_006941.4(SOX10):c.378C>G (p.Tyr126Ter)

Genes: POLR2F (RNA polymerase II, I and III subunit F; plus strand), SOX10 (SRY-box transcription factor 10; minus strand). Cytogenetic location: 22q13.1.
Variant type: single nucleotide variant.
Coding change: c.378C>G on transcript NM_006941.4 (MANE Select); coding-DNA position 378, C replaced by G.
Protein change: p.Tyr126Ter; replaces tyrosine 126 with a stop codon.
Molecular consequence: nonsense. On other transcripts: intron variant (3).
Genome position (GRCh38, 1-based): chr22:37,983,407, G>C on the plus strand (C>G on the coding strand, the complement: SOX10 is on the minus strand). VCF-style: chr22-37983407-G-C. GRCh37 (hg19) VCF-style: chr22-38379414-G-C.
Other names: c.*38+11097G>C (NM_001363825.1); c.294-2747G>C (NM_001301130.2); c.293+16237G>C (NM_001301131.2); short protein forms Y126*.
Identifiers: ClinVar variation 4805610 (VCV004805610.1).